The following is an entry in ClinVar:

NC_000008.10:g.(?_74888517)_(75276602_?)dup

Genes: JPH1 (junctophilin 1; minus strand), GDAP1 (ganglioside induced differentiation associated protein 1; plus strand), LY96 (lymphocyte antigen 96; plus strand), TMEM70 (transmembrane protein 70; plus strand). Cytogenetic location: 8q21.11.
Variant type: Duplication.
Identifiers: ClinVar variation 1422858 (VCV001422858.4).

ClinVar aggregate classification (germline): Uncertain significance. Review status: criteria provided, single submitter (1 of 4 stars). 2 submissions from 1 submitter: Uncertain significance (2). Last evaluated 2022-02-28.

Conditions:
Charcot-Marie-Tooth disease type 4A. Also called: Charcot-Marie-Tooth disease, demyelinating, autosomal recessive, type 4a. Identifiers: Orphanet 99948, MedGen C1859198, MONDO:0008961, OMIM 214400.
Mitochondrial complex V (ATP synthase) deficiency, nuclear type 2. Also called: MITOCHONDRIAL COMPLEX V (ATP SYNTHASE) DEFICIENCY, TMEM70 TYPE; Nuclear-Encoded ATPase Deficiency, TMEM70-Related; ENCEPHALOCARDIOMYOPATHY, MITOCHONDRIAL, NEONATAL, DUE TO ATP SYNTHASE DEFICIENCY. Identifiers: Orphanet 1194, MedGen C3279699, MONDO:0013546, OMIM 614052.

Submissions (2):

Labcorp Genetics (formerly Invitae), Labcorp
Classification: Uncertain significance for Mitochondrial complex V (ATP synthase) deficiency, nuclear type 2. Last evaluated: 2022-02-28. Review status: criteria provided, single submitter. Criteria: Invitae Variant Classification Sherloc (09022015). Collection method: clinical testing. Allele origin: germline.
Comment: A copy number gain of the genomic region encompassing the full coding sequence of the TMEM70 gene has been identified. The boundaries of this event are unknown as they extend beyond the assayed region for this gene and therefore may encompass additional genes. As the precise location of this event is unknown, it may be in tandem or it may be located elsewhere in the genome. This variant has not been reported in the literature in individuals affected with TMEM70-related conditions. Experimental studies and prediction algorithms are not available or were not evaluated, and the functional significance of this variant is currently unknown. In summary, the available evidence is currently insufficient to determine the role of this variant in disease. Therefore, it has been classified as a Variant of Uncertain Significance.

Labcorp Genetics (formerly Invitae), Labcorp
Classification: Uncertain significance for Charcot-Marie-Tooth disease type 4A. Last evaluated: 2022-02-28. Review status: criteria provided, single submitter. Criteria: Invitae Variant Classification Sherloc (09022015). Collection method: clinical testing. Allele origin: germline.
Comment: A copy number gain of the genomic region encompassing the full coding sequence of the GDAP1 gene has been identified. The boundaries of this event are unknown as they extend beyond the assayed region for this gene and therefore may encompass additional genes. As the precise location of this event is unknown, it may be in tandem or it may be located elsewhere in the genome. This variant has not been reported in the literature in individuals affected with GDAP1-related conditions. In summary, the available evidence is currently insufficient to determine the role of this variant in disease. Therefore, it has been classified as a Variant of Uncertain Significance.